The following is an entry in ClinVar:

ClinVar aggregate classification (germline): Uncertain significance (1 of 4 stars; one submission).

Conditions:
Perlman syndrome (PRLMNS). Identifiers: Orphanet 2849, MedGen C0796113, MONDO:0009965, OMIM 267000.

Submission:

Labcorp Genetics (formerly Invitae), Labcorp
Classification: Uncertain significance for Perlman syndrome. Last evaluated: 2022-05-07. Review status: criteria provided, single submitter. Criteria: Invitae Variant Classification Sherloc (09022015). Collection method: clinical testing. Allele origin: germline.
Comment: This sequence change replaces methionine, which is neutral and non-polar, with valine, which is neutral and non-polar, at codon 775 of the DIS3L2 protein (p.Met775Val). This variant is not present in population databases (gnomAD no frequency). This variant has not been reported in the literature in individuals affected with DIS3L2-related conditions. ClinVar contains an entry for this variant (Variation ID: 970527). Algorithms developed to predict the effect of missense changes on protein structure and function (SIFT, PolyPhen-2, Align-GVGD) all suggest that this variant is likely to be tolerated. Algorithms developed to predict the effect of sequence changes on RNA splicing suggest that this variant may create or strengthen a splice site. In summary, the available evidence is currently insufficient to determine the role of this variant in disease. Therefore, it has been classified as a Variant of Uncertain Significance.

NM_152383.5(DIS3L2):c.2323A>G (p.Met775Val)

Gene: DIS3L2 (DIS3 like 3'-5' exoribonuclease 2; plus strand). Cytogenetic location: 2q37.1.
Variant type: single nucleotide variant.
Coding change: c.2323A>G on transcript NM_152383.5 (MANE Select); coding-DNA position 2323, A replaced by G.
Protein change: p.Met775Val; replaces methionine 775 with valine.
Molecular consequence: missense variant. On other transcripts: non-coding transcript variant (2), intron variant (1).
Genome position (GRCh38, 1-based): chr2:232,334,664, A>G. VCF-style: chr2-232334664-A-G. GRCh37 (hg19) VCF-style: chr2-233199374-A-G.
Other names: c.1582-8681A>G (NM_001257281.2); short protein forms M775V.
Identifiers: ClinVar variation 970527 (VCV000970527.10), dbSNP rs1559220046, ClinGen allele CA350977973.